The following is an entry in ClinVar:

ClinVar aggregate classification (germline): Conflicting classifications of pathogenicity. Review status: criteria provided, conflicting classifications (1 of 4 stars). 8 submissions from 8 submitters: Uncertain significance (1); Benign (2); Likely benign (5). Last evaluated 2026-01-14.

Conditions:
Connective tissue disorder. Also called: Connective tissue disease. Identifiers: MedGen C0009782, MONDO:0003900.
Familial thoracic aortic aneurysm and aortic dissection (TAAD). Also called: Thoracic aortic aneurysms and dissections. Identifiers: Orphanet 91387, MedGen C4707243, MONDO:0019625.
Congenital contractural arachnodactyly (CCA). Also called: BEALS SYNDROME; Beals-Hecht syndrome; Arthrogryposis, distal, type 9. Identifiers: Orphanet 115, MedGen C0220668, MONDO:0007363, OMIM 121050.

Allele frequency attached by ClinVar (database versions not stated): ESP Exome Variant Server 0.00008; gnomAD exomes 0.00025 and 0.00045; gnomAD 0.00027 and 0.00029; ExAC 0.00030; TOPMed 0.00033.
gnomAD v4.1: 437 of 1,614,050 alleles (0.027%); highest among the groups gnomAD compares: South Asian, 0.031%; 1 homozygote.

Submissions (8):

Labcorp Genetics (formerly Invitae), Labcorp
Classification: Benign for Congenital contractural arachnodactyly. Last evaluated: 2026-01-14. Review status: criteria provided, single submitter. Criteria: Invitae Variant Classification Sherloc (09022015). Collection method: clinical testing. Allele origin: germline.

ARUP Laboratories, Molecular Genetics and Genomics, ARUP Laboratories
Classification: Likely benign. Last evaluated: 2024-10-29. Review status: criteria provided, single submitter. Criteria: ARUP Molecular Germline Variant Investigation Process 2024. Collection method: clinical testing. Allele origin: germline.

Blueprint Genetics
Classification: Likely benign. Last evaluated: 2024-10-25. Review status: criteria provided, single submitter. Criteria: ACMG Guidelines, 2015. Collection method: clinical testing. Allele origin: germline.

Women's Health and Genetics/Laboratory Corporation of America, LabCorp
Classification: Benign. Last evaluated: 2023-12-04. Review status: criteria provided, single submitter. Criteria: LabCorp Variant Classification Summary - May 2015. Collection method: clinical testing. Allele origin: germline.
Comment: Variant summary: FBN2 c.4454A>G (p.Asp1485Gly) results in a non-conservative amino acid change located in the EGF-like domain (IPR000742) of the encoded protein sequence. Four of four in-silico tools predict a damaging effect of the variant on protein function. The variant allele was found at a frequency of 0.00027 in 1614050 control chromosomes, predominantly at a frequency of 0.01 within the Ashkenazi Jewish subpopulation in the gnomAD database, including 1 homozygote. The observed variant frequency within Ashkenazi Jewish control individuals in the gnomAD database is approximately 8000 fold of the estimated maximal expected allele frequency for a pathogenic variant in FBN2 causing Aortopathy phenotype (1.3e-06), strongly suggesting that the variant is a benign polymorphism found primarily in populations of Ashkenazi Jewish origin. To our knowledge, no occurrence of c.4454A>G in individuals affected with Aortopathy and no experimental evidence demonstrating its impact on protein function have been reported. Six submitters have cited clinical-significance assessments for this variant to ClinVar after 2014 and classified this variant as uncertain significance (n=1), likely benign (n=4) and benign (n=1). Based on the evidence outlined above, the variant was classified as benign.

GeneDx
Classification: Likely benign. Last evaluated: 2020-10-06. Review status: criteria provided, single submitter. Criteria: GeneDx Variant Classification Process June 2021. Collection method: clinical testing. Allele origin: germline. Affected: yes.
Comment: This variant is associated with the following publications: (PMID: 25944730, 28087566)

Ambry Genetics
Classification: Likely benign for Familial thoracic aortic aneurysm and aortic dissection. Last evaluated: 2018-05-21. Review status: criteria provided, single submitter. Criteria: Ambry Variant Classification Scheme 2023. Collection method: clinical testing. Allele origin: germline.

Illumina Laboratory Services, Illumina
Classification: Likely benign for Congenital contractural arachnodactyly. Last evaluated: 2018-01-13. Review status: criteria provided, single submitter. Criteria: ICSL Variant Classification Criteria 13 December 2019. Collection method: clinical testing. Allele origin: germline.
Comment: This variant was observed in the ICSL laboratory as part of a predisposition screen in an ostensibly healthy population. It had not been previously curated by ICSL or reported in the Human Gene Mutation Database (HGMD: prior to June 1st, 2018), and was therefore a candidate for classification through an automated scoring system. Utilizing variant allele frequency, disease prevalence and penetrance estimates, and inheritance mode, an automated score was calculated to assess if this variant is too frequent to cause the disease. Based on the score and internal cut-off values, a variant classified as likely benign is not then subjected to further curation. The score for this variant resulted in a classification of likely benign for this disease.

Center for Human Genetics, Inc
Classification: Uncertain significance for Connective tissue disorder. Last evaluated: 2016-11-01. Review status: criteria provided, single submitter. Criteria: ACMG Guidelines, 2015. Collection method: clinical testing. Allele origin: germline. Affected: yes.

Literature cited by the submitters: PubMed 25944730 (cited by Ambry Genetics).

NM_001999.4(FBN2):c.4454A>G (p.Asp1485Gly)

Gene: FBN2 (fibrillin 2; minus strand). Cytogenetic location: 5q23.3.
Variant type: single nucleotide variant.
Coding change: c.4454A>G on transcript NM_001999.4 (MANE Select); coding-DNA position 4454, A replaced by G.
Protein change: p.Asp1485Gly; replaces aspartic acid 1485 with glycine.
Molecular consequence: missense variant.
Genome position (GRCh38, 1-based): chr5:128,328,713, T>C on the plus strand (A>G on the coding strand, the complement: FBN2 is on the minus strand). VCF-style: chr5-128328713-T-C. GRCh37 (hg19) VCF-style: chr5-127664405-T-C.
Other names: short protein forms D1485G.
Identifiers: ClinVar variation 213328 (VCV000213328.28), dbSNP rs199665922, ClinGen allele CA323073.